The following is an entry in ClinVar:

NM_000444.6(PHEX):c.1721T>A (p.Ile574Lys)

Genes: PTCHD1-AS (PTCHD1 and PHEX antisense RNA; minus strand), PHEX (phosphate regulating endopeptidase X-linked; plus strand). Cytogenetic location: Xp22.11.
Variant type: single nucleotide variant.
Coding change: c.1721T>A on transcript NM_000444.6 (MANE Select); coding-DNA position 1721, T replaced by A.
Protein change: p.Ile574Lys; replaces isoleucine 574 with lysine.
Molecular consequence: missense variant.
Genome position (GRCh38, 1-based): chrX:22,219,056, T>A. VCF-style: chrX-22219056-T-A. GRCh37 (hg19) VCF-style: chrX-22237173-T-A.
Other names: c.1721T>A, p.Ile574Lys (NM_001282754.2); short protein forms I574K.
Identifiers: ClinVar variation 950562 (VCV000950562.9), dbSNP rs1935181910, ClinGen allele CA412575757.

ClinVar aggregate classification (germline): Likely pathogenic (1 of 4 stars; one submission).

Submission:

Labcorp Genetics (formerly Invitae), Labcorp
Classification: Likely pathogenic. Last evaluated: 2019-06-18. Review status: criteria provided, single submitter. Criteria: Invitae Variant Classification Sherloc (09022015). Collection method: clinical testing. Allele origin: germline.
Comment: In summary, the currently available evidence indicates that the variant is pathogenic, but additional data are needed to prove that conclusively. Therefore, this variant has been classified as Likely Pathogenic. Algorithms developed to predict the effect of missense changes on protein structure and function (SIFT, PolyPhen-2, Align-GVGD) all suggest that this variant is likely to be disruptive, but these predictions have not been confirmed by published functional studies and their clinical significance is uncertain. This variant has been observed in an individual with clinical features of hypophosphatemic rickets and has been shown to segregate with disease in a family (PMID: 29393334, Invitae). This variant is not present in population databases (ExAC no frequency). This sequence change replaces isoleucine with lysine at codon 574 of the PHEX protein (p.Ile574Lys). The isoleucine residue is highly conserved and there is a moderate physicochemical difference between isoleucine and lysine.

Literature cited by the submitters: PubMed 29393334.